The following is an entry in ClinVar:

NM_000199.5(SGSH):c.1394G>A (p.Arg465Gln)

Gene: SGSH (N-sulfoglucosamine sulfohydrolase; minus strand). Cytogenetic location: 17q25.3.
Variant type: single nucleotide variant.
Coding change: c.1394G>A on transcript NM_000199.5 (MANE Select); coding-DNA position 1394, G replaced by A.
Protein change: p.Arg465Gln; replaces arginine 465 with glutamine.
Molecular consequence: missense variant. On other transcripts: 3 prime UTR variant (2), non-coding transcript variant (1).
Genome position (GRCh38, 1-based): chr17:80,210,567, C>T on the plus strand (G>A on the coding strand, the complement: SGSH is on the minus strand). VCF-style: chr17-80210567-C-T. GRCh37 (hg19) VCF-style: chr17-78184366-C-T.
Other names: c.*481G>A (NM_001352921.3); c.*444G>A (NM_001352922.2); short protein forms R465Q.
Identifiers: ClinVar variation 2068026 (VCV002068026.3), dbSNP rs1294240905, ClinGen allele CA401358533.

ClinVar aggregate classification (germline): Conflicting classifications of pathogenicity. Review status: criteria provided, conflicting classifications (1 of 4 stars). 3 submissions from 3 submitters: Uncertain significance (1); Likely benign (2). Last evaluated 2022-07-23.

Conditions:
Mucopolysaccharidosis, MPS-III-A (MPS3A). Also called: HEPARAN SULFATE SULFATASE DEFICIENCY; SANFILIPPO SYNDROME A; SULFAMIDASE DEFICIENCY; MPS III A; Mucopolysaccharidosis, type IIIA; MUCOPOLYSACCHARIDOSIS, TYPE IIIA, ATTENUATED. Identifiers: Orphanet 581, Orphanet 79269, MedGen C0086647, MONDO:0009655, OMIM 252900.
Inborn genetic diseases. Identifiers: MedGen C0950123, MeSH D030342.

Allele frequency attached by ClinVar (database versions not stated): gnomAD 0.00001; gnomAD exomes 0.00002.
gnomAD v4.1: 25 of 1,612,852 alleles (0.0016%); highest among the groups gnomAD compares: Middle Eastern, 0.033%; no homozygotes.

Submissions (3):

Labcorp Genetics (formerly Invitae), Labcorp
Classification: Uncertain significance for Mucopolysaccharidosis, MPS-III-A. Last evaluated: 2022-07-23. Review status: criteria provided, single submitter. Criteria: Invitae Variant Classification Sherloc (09022015). Collection method: clinical testing. Allele origin: germline.
Comment: This sequence change replaces arginine, which is basic and polar, with glutamine, which is neutral and polar, at codon 465 of the SGSH protein (p.Arg465Gln). This variant is present in population databases (no rsID available, gnomAD 0.02%). This variant has not been reported in the literature in individuals affected with SGSH-related conditions. Algorithms developed to predict the effect of missense changes on protein structure and function output the following: SIFT: "Tolerated"; PolyPhen-2: "Benign"; Align-GVGD: "Class C0". The glutamine amino acid residue is found in multiple mammalian species, which suggests that this missense change does not adversely affect protein function. In summary, the available evidence is currently insufficient to determine the role of this variant in disease. Therefore, it has been classified as a Variant of Uncertain Significance.

Blueprint Genetics
Classification: Likely benign. Last evaluated: 2022-05-27. Review status: criteria provided, single submitter. Criteria: ACMG Guidelines, 2015. Collection method: clinical testing. Allele origin: germline.

Ambry Genetics
Classification: Likely benign for Inborn genetic diseases. Last evaluated: 2021-12-06. Review status: criteria provided, single submitter. Criteria: Ambry Variant Classification Scheme 2023. Collection method: clinical testing. Allele origin: germline.